The following is an entry in ClinVar:

NM_001165963.4(SCN1A):c.2207C>T (p.Pro736Leu)

Gene: SCN1A (sodium voltage-gated channel alpha subunit 1; minus strand). Cytogenetic location: 2q24.3.
Variant type: single nucleotide variant.
Coding change: c.2207C>T on transcript NM_001165963.4 (MANE Select); coding-DNA position 2207, C replaced by T.
Protein change: p.Pro736Leu; replaces proline 736 with leucine.
Molecular consequence: missense variant. On other transcripts: 5 prime UTR variant (1), non-coding transcript variant (1).
Genome position (GRCh38, 1-based): chr2:166,041,439, G>A on the plus strand (C>T on the coding strand, the complement: SCN1A is on the minus strand). VCF-style: chr2-166041439-G-A. GRCh37 (hg19) VCF-style: chr2-166897949-G-A.
Other names: c.2123C>T, p.Pro708Leu (NM_001165964.3, NM_001353957.2, NM_001353958.2); c.2207C>T, p.Pro736Leu (NM_001202435.3, NM_001353948.2); c.2174C>T, p.Pro725Leu (NM_001353949.2, NM_001353950.2, NM_001353951.2 and 2 more transcripts); c.2171C>T, p.Pro724Leu (NM_001353954.2, NM_001353955.2); c.2120C>T, p.Pro707Leu (NM_001353960.2); c.-252C>T (NM_001353961.2); short protein forms P707L, P708L, P724L, P725L, P736L.
Identifiers: ClinVar variation 3390653 (VCV003390653.1).
Genomic context (GRCh38, chr2:166,041,439, plus strand): 5'-TTTAACCAATATGGAGAACAGTCCCAGATTAAGAATATGTTGGAAAATTTATACCAACAG[G>A]GTGGGCATTTCTGCCTGGATTCTTCAAGTTCTAGATTAAGAAAAAAAAAAAAAAGAACCA-3'
Protein context (NP_001159435.1, residues 726-746): ELEESRQKCP[Pro736Leu]CWYKFSNIFL

ClinVar aggregate classification (germline): Uncertain significance (1 of 4 stars; one submission).

gnomAD v4.1: 1 of 1,611,402 alleles (0.000062%); highest among the groups gnomAD compares: Admixed American, 0.0017%; no homozygotes.

Submission:

GeneDx
Classification: Uncertain significance. Last evaluated: 2024-06-13. Review status: criteria provided, single submitter. Criteria: GeneDx Variant Classification Process June 2021. Collection method: clinical testing. Allele origin: germline. Affected: yes.
Comment: Not observed at significant frequency in large population cohorts (gnomAD); In silico analysis supports that this missense variant has a deleterious effect on protein structure/function; Has not been previously published as pathogenic or benign to our knowledge; This substitution is predicted to be within the cytoplasmic loop between the first and second homologous domains